The following is an entry in ClinVar:

ClinVar aggregate classification (germline): Likely pathogenic (1 of 4 stars; one submission).

Conditions:
Intellectual developmental disorder, X-linked, syndromic, Claes-Jensen type. Also called: Syndromic X-linked intellectual disability Claes-Jensen type; INTELLECTUAL DEVELOPMENTAL DISORDER, X-LINKED, SYNDROMIC 16; MENTAL RETARDATION, X-LINKED, SYNDROMIC 16. Identifiers: Orphanet 85279, MedGen C1845243, MONDO:0010355, OMIM 300534.

Submission:

3billion
Classification: Likely pathogenic for Intellectual developmental disorder, X-linked, syndromic, Claes-Jensen type. Last evaluated: 2023-12-07. Review status: criteria provided, single submitter. Criteria: ACMG Guidelines, 2015. Collection method: clinical testing. Allele origin: germline. Affected: yes.
Comment: The variant is not observed in the gnomAD v2.1.1 dataset. Predicted Consequence/Location: Canonical splice site: predicted to alter splicing and result in a loss or disruption of normal protein function. Multiple pathogenic loss-of-function variants are reported downstream of the variant. Therefore, this variant is classified as Likely pathogenic according to the recommendation of ACMG/AMP guideline.

NM_004187.5(KDM5C):c.3301-2A>G

Gene: KDM5C (lysine demethylase 5C; minus strand). Cytogenetic location: Xp11.22.
Variant type: single nucleotide variant.
Coding change: c.3301-2A>G on transcript NM_004187.5 (MANE Select); the canonical splice acceptor site of the intron before coding-DNA position 3301, A replaced by G.
Molecular consequence: splice acceptor variant.
Genome position (GRCh38, 1-based): chrX:53,195,070, T>C on the plus strand (A>G on the coding strand, the complement: KDM5C is on the minus strand). VCF-style: chrX-53195070-T-C. GRCh37 (hg19) VCF-style: chrX-53224252-T-C.
Other names: c.3298-2A>G (NM_001353982.2, NM_001353979.2, NM_001282622.3); c.3301-2A>G (NM_001353981.2, NM_001353984.2, NM_001353978.3); c.3100-2A>G (NM_001146702.2).
Identifiers: ClinVar variation 3775382 (VCV003775382.1).
Genomic context (GRCh38, chrX:53,195,070, plus strand): 5'-TCCATCCACCGGCTGCGCTTGGTGCTGTCTGAGCCGGCATCTGCACATGGGCAGAGAACC[T>C]GGGGCAGGCAGACAAGAGAGGGAATGACTGGGCTTCCCTTACATCCCCCGCCTCCTTCCC-3'